The following is an entry in ClinVar:

ClinVar aggregate classification (germline): Likely pathogenic (1 of 4 stars; one submission).

Conditions:
Citrullinemia. Identifiers: Orphanet 187, MedGen C0175683, MONDO:0015991.

gnomAD v4.1: 2 of 1,612,332 alleles (0.00012%); highest among the groups gnomAD compares: Admixed American, 0.0017%; no homozygotes.

Submission:

Labcorp Genetics (formerly Invitae), Labcorp
Classification: Likely pathogenic for Citrullinemia. Last evaluated: 2023-05-26. Review status: criteria provided, single submitter. Criteria: Invitae Variant Classification Sherloc (09022015). Collection method: clinical testing. Allele origin: germline.
Comment: In summary, the currently available evidence indicates that the variant is pathogenic, but additional data are needed to prove that conclusively. Therefore, this variant has been classified as Likely Pathogenic. Algorithms developed to predict the effect of sequence changes on RNA splicing suggest that this variant may disrupt the consensus splice site. This variant has not been reported in the literature in individuals affected with ASS1-related conditions. This variant is not present in population databases (gnomAD no frequency). This sequence change affects a donor splice site in intron 5 of the ASS1 gene. It is expected to disrupt RNA splicing. Variants that disrupt the donor or acceptor splice site typically lead to a loss of protein function (PMID: 16199547), and loss-of-function variants in ASS1 are known to be pathogenic (PMID: 18473344, 19006241).

Literature cited by the submitters: PubMed 16199547; PubMed 18473344; PubMed 19006241.

NM_054012.4(ASS1):c.363+1G>A

Gene: ASS1 (argininosuccinate synthase 1; plus strand). Cytogenetic location: 9q34.11.
Variant type: single nucleotide variant.
Coding change: c.363+1G>A on transcript NM_054012.4 (MANE Select); the canonical splice donor site of the intron after coding-DNA position 363, G replaced by A.
Molecular consequence: splice donor variant.
Genome position (GRCh38, 1-based): chr9:130,458,590, G>A. VCF-style: chr9-130458590-G-A. GRCh37 (hg19) VCF-style: chr9-133333977-G-A.
Other names: c.363+1G>A (NM_000050.4).
Identifiers: ClinVar variation 2871350 (VCV002871350.3), dbSNP rs2490532067, ClinGen allele CA375225368.